The following is an entry in ClinVar:

ClinVar aggregate classification (germline): Uncertain significance. Review status: criteria provided, multiple submitters, no conflicts (2 of 4 stars). 5 submissions from 5 submitters: Uncertain significance (5). Last evaluated 2026-09-24.

Conditions:
Inborn genetic diseases. Identifiers: MedGen C0950123, MeSH D030342.

Allele frequency attached by ClinVar (database versions not stated): TOPMed 0.00002; ExAC 0.00004; ESP Exome Variant Server 0.00015.
gnomAD v4.1: 56 of 1,613,998 alleles (0.0035%); highest among the groups gnomAD compares: Admixed American, 0.032%; 1 homozygote.

Submissions (5):

GeneDx
Classification: Uncertain significance. Last evaluated: 2026-09-24. Review status: criteria provided, single submitter. Criteria: GeneDx Variant Classification Process June 2021. Collection method: clinical testing. Allele origin: germline.
Comment: In silico analysis supports that this missense variant has a deleterious effect on protein structure/function; Has not been previously published as pathogenic or benign to our knowledge

Ambry Genetics
Classification: Uncertain significance for Inborn genetic diseases. Last evaluated: 2025-11-24. Review status: criteria provided, single submitter. Criteria: Ambry Variant Classification Scheme 2023. Collection method: clinical testing. Allele origin: germline.

Labcorp Genetics (formerly Invitae), Labcorp
Classification: Uncertain significance. Last evaluated: 2022-08-03. Review status: criteria provided, single submitter. Criteria: Invitae Variant Classification Sherloc (09022015). Collection method: clinical testing. Allele origin: germline.
Comment: This sequence change replaces arginine, which is basic and polar, with glutamine, which is neutral and polar, at codon 264 of the OTOF protein (p.Arg264Gln). This variant is present in population databases (rs370475628, gnomAD 0.02%). This variant has not been reported in the literature in individuals affected with OTOF-related conditions. ClinVar contains an entry for this variant (Variation ID: 871080). Algorithms developed to predict the effect of missense changes on protein structure and function (SIFT, PolyPhen-2, Align-GVGD) all suggest that this variant is likely to be disruptive. In summary, the available evidence is currently insufficient to determine the role of this variant in disease. Therefore, it has been classified as a Variant of Uncertain Significance.

Mayo Clinic Laboratories, Mayo Clinic
Classification: Uncertain significance. Last evaluated: 2022-03-23. Review status: criteria provided, single submitter. Criteria: ACMG Guidelines, 2015. Collection method: clinical testing. Allele origin: germline. Observed: 1 variant allele.
Comment: PM2

CeGaT Center for Human Genetics Tuebingen
Classification: Uncertain significance. Last evaluated: 2020-01-01. Review status: criteria provided, single submitter. Criteria: CeGaT Center For Human Genetics Tuebingen Variant Classification Criteria Version 2. Collection method: clinical testing. Allele origin: germline. Affected: yes. Observed: 1 variant allele.

NM_194248.3(OTOF):c.791G>A (p.Arg264Gln)

Gene: OTOF (otoferlin; minus strand). Cytogenetic location: 2p23.3.
Variant type: single nucleotide variant.
Coding change: c.791G>A on transcript NM_194248.3 (MANE Select); coding-DNA position 791, G replaced by A.
Protein change: p.Arg264Gln; replaces arginine 264 with glutamine.
Molecular consequence: missense variant.
Genome position (GRCh38, 1-based): chr2:26,495,048, C>T on the plus strand (G>A on the coding strand, the complement: OTOF is on the minus strand). VCF-style: chr2-26495048-C-T. GRCh37 (hg19) VCF-style: chr2-26717916-C-T.
Other names: p.Arg264Gln; c.791G>A, p.Arg264Gln (NM_001287489.2); c.791G>A (NM_194248.2); short protein forms R264Q.
Identifiers: ClinVar variation 871080 (VCV000871080.48), dbSNP rs370475628, ClinGen allele CA1564495.